The following is an entry in ClinVar:

NM_004006.3(DMD):c.839T>A (p.Val280Asp)

Gene: DMD (dystrophin; minus strand). Cytogenetic location: Xp21.1.
Variant type: single nucleotide variant.
Coding change: c.839T>A on transcript NM_004006.3 (MANE Select); coding-DNA position 839, T replaced by A.
Protein change: p.Val280Asp; replaces valine 280 with aspartic acid.
Molecular consequence: missense variant.
Genome position (GRCh38, 1-based): chrX:32,697,991, A>T on the plus strand (T>A on the coding strand, the complement: DMD is on the minus strand). VCF-style: chrX-32697991-A-T. GRCh37 (hg19) VCF-style: chrX-32716108-A-T.
Other names: c.839T>A (NM_004006.2); c.815T>A, p.Val272Asp (NM_000109.4); c.827T>A, p.Val276Asp (NM_004009.3); c.470T>A, p.Val157Asp (NM_004010.3); short protein forms V272D, V276D, V157D, V280D.
Identifiers: ClinVar variation 1442610 (VCV001442610.9), dbSNP rs1160682035, ClinGen allele CA412668752.

ClinVar aggregate classification (germline): Uncertain significance. Review status: criteria provided, single submitter (1 of 4 stars). 2 submissions from 2 submitters: Uncertain significance (1). 1 of the submissions does not count toward it. Last evaluated 2021-12-27.

Conditions:
DMD-related disorder. Also called: DMD-related condition.
Duchenne muscular dystrophy (DMD). Also called: Duchenne Muscular Dystrophy (DMD); MUSCULAR DYSTROPHY, PSEUDOHYPERTROPHIC PROGRESSIVE, DUCHENNE TYPE. Identifiers: Orphanet 98896, MedGen C0013264, MONDO:0010679, OMIM 310200.

Allele frequency attached by ClinVar (database versions not stated): gnomAD exomes 0.00001 and 0.00002; TOPMed 0.00001.
gnomAD v4.1: 18 of 1,193,987 alleles (0.0015%); highest among the groups gnomAD compares: Non-Finnish European, 0.002%; no homozygotes.

Submissions (2):

Labcorp Genetics (formerly Invitae), Labcorp
Classification: Uncertain significance for Duchenne muscular dystrophy. Last evaluated: 2021-12-27. Review status: criteria provided, single submitter. Criteria: Invitae Variant Classification Sherloc (09022015). Collection method: clinical testing. Allele origin: germline.
Comment: In summary, the available evidence is currently insufficient to determine the role of this variant in disease. Therefore, it has been classified as a Variant of Uncertain Significance. Algorithms developed to predict the effect of missense changes on protein structure and function (SIFT, PolyPhen-2, Align-GVGD) all suggest that this variant is likely to be disruptive. This variant has not been reported in the literature in individuals affected with DMD-related conditions. The frequency data for this variant in the population databases is considered unreliable, as metrics indicate poor data quality at this position in the gnomAD database. This sequence change replaces valine, which is neutral and non-polar, with aspartic acid, which is acidic and polar, at codon 280 of the DMD protein (p.Val280Asp).

PreventionGenetics, part of Exact Sciences
Classification: Uncertain significance for DMD-related condition. Last evaluated: 2024-03-08. Review status: no assertion criteria provided. Collection method: clinical testing. Allele origin: germline. Not counted in ClinVar's aggregate classification.
Comment: The DMD c.839T>A variant is predicted to result in the amino acid substitution p.Val280Asp. To our knowledge, this variant has not been reported in the literature. This variant is reported in 0.0031% of alleles in individuals of European (Non-Finnish) descent in gnomAD. At this time, the clinical significance of this variant is uncertain due to the absence of conclusive functional and genetic evidence.